The following is an entry in ClinVar:

ClinVar aggregate classification (germline): Likely pathogenic (1 of 4 stars; one submission).

Conditions:
Glycogen storage disease IXa1. Also called: Glycogen storage disease 8; LIVER GLYCOGENOSIS, X-LINKED, TYPE I; GLYCOGEN STORAGE DISEASE VIII; GSD VIII. Identifiers: Orphanet 264580, MedGen C3694531, MONDO:0010598, OMIM 306000.

Submission:

3billion
Classification: Likely pathogenic for Glycogen storage disease IXa1. Last evaluated: 2024-03-08. Review status: criteria provided, single submitter. Criteria: ACMG Guidelines, 2015. Collection method: clinical testing. Allele origin: germline. Affected: yes.
Comment: The variant is not observed in the gnomAD v2.1.1 dataset. Predicted Consequence/Location: Frameshift: predicted to result in a loss or disruption of normal protein function through nonsense-mediated decay (NMD) or protein truncation. Multiple pathogenic variants are reported downstream of the variant. Therefore, this variant is classified as Likely pathogenic according to the recommendation of ACMG/AMP guideline.

NM_000292.3(PHKA2):c.2077_2078dup (p.His694fs)

Gene: PHKA2 (phosphorylase kinase regulatory subunit alpha 2; minus strand). Cytogenetic location: Xp22.13.
Variant type: Duplication.
Coding change: c.2077_2078dup on transcript NM_000292.3 (MANE Select); coding-DNA positions 2077 to 2078, 2 bases duplicated (AT; older notation c.2077_2078dupAT).
Protein change: p.His694fs; shifts the reading frame from histidine 694.
Molecular consequence: frameshift variant.
Genome position (GRCh38, 1-based): chrX:18,918,740-18,918,741, AT duplicated on the plus strand (AT on the coding strand, the reverse complement: PHKA2 is on the minus strand); duplicating any 2 consecutive bases within chrX:18,918,740-18,918,742 gives the same sequence; the c. name uses the placement nearest the transcript's 3' end. VCF-style (leftmost placement, unchanged base first): chrX-18918739-G-GAT. GRCh37 (hg19) VCF-style: chrX-18936857-G-GAT.
Other names: short protein forms H694fs.
Identifiers: ClinVar variation 3775296 (VCV003775296.1).